The following is an entry in ClinVar:

ClinVar aggregate classification (germline): Benign. Review status: criteria provided, multiple submitters, no conflicts (2 of 4 stars). 2 submissions from 2 submitters: Benign (2). Last evaluated 2019-12-31.

Conditions:
Long QT syndrome (LQTS). Identifiers: MedGen C0023976, MeSH D008133, MONDO:0002442. Disease mechanism: loss of function. Inheritance: Various modes of inheritance.

Allele frequency attached by ClinVar (database versions not stated): gnomAD 0.27766 and 0.28066; TOPMed 0.28739; 1000 Genomes Project 30x 0.30340; 1000 Genomes Project 0.30371.
gnomAD v4.1: 42,305 of 152,038 alleles (28%); highest among the groups gnomAD compares: African/African-American, 45%; 6,844 homozygotes.

Submissions (2):

Labcorp Genetics (formerly Invitae), Labcorp
Classification: Benign for Long QT syndrome. Last evaluated: 2019-12-31. Review status: criteria provided, single submitter. Criteria: Invitae Variant Classification Sherloc (09022015). Collection method: clinical testing. Allele origin: germline.

GeneDx
Classification: Benign. Last evaluated: 2018-06-19. Review status: criteria provided, single submitter. Criteria: GeneDx Variant Classification (06012015). Collection method: clinical testing. Allele origin: germline. Affected: yes.
Comment: This variant is considered likely benign or benign based on one or more of the following criteria: it is a conservative change, it occurs at a poorly conserved position in the protein, it is predicted to be benign by multiple in silico algorithms, and/or has population frequency not consistent with disease.

NM_000719.7(CACNA1C):c.3913-270A>C

Gene: CACNA1C (calcium voltage-gated channel subunit alpha1 C; plus strand). Cytogenetic location: 12p13.33.
Variant type: single nucleotide variant.
Coding change: c.3913-270A>C on transcript NM_000719.7 (MANE Select); 270 bases into the intron before coding-DNA position 3913, A replaced by C.
Molecular consequence: intron variant.
Genome position (GRCh38, 1-based): chr12:2,648,205, A>C. VCF-style: chr12-2648205-A-C. GRCh37 (hg19) VCF-style: chr12-2757371-A-C.
Other names: c.3913-270A>C (NM_001167624.3, NM_001167623.2, NM_001129840.2 and 8 more transcripts); c.3913-3435A>C (NM_001167625.2, NM_001129837.2, NM_001129838.2 and 1 more transcripts); c.4057-270A>C (NM_199460.4, NM_001129827.2); c.3973-270A>C (NM_001129832.2); c.3997-270A>C (NM_001129831.2); c.3907-3435A>C (NM_001129839.2); c.3997-3435A>C (NM_001129836.2); c.3904-270A>C (NM_001129844.2).
Identifiers: ClinVar variation 683271 (VCV000683271.5), dbSNP rs216036, ClinGen allele CA15756431.